The following is an entry in ClinVar:

NM_006384.4(CIB1):c.87-37T>G

Gene: CIB1 (calcium and integrin binding 1; minus strand). Cytogenetic location: 15q26.1.
Variant type: single nucleotide variant.
Coding change: c.87-37T>G on transcript NM_006384.4 (MANE Select); 37 bases into the intron before coding-DNA position 87, T replaced by G.
Molecular consequence: intron variant. On other transcripts: missense variant (1).
Genome position (GRCh38, 1-based): chr15:90,232,364, A>C on the plus strand (T>G on the coding strand, the complement: CIB1 is on the minus strand). VCF-style: chr15-90232364-A-C. GRCh37 (hg19) VCF-style: chr15-90775596-A-C.
Other names: c.170T>G, p.Ile57Ser (NM_001277764.2); short protein forms I57S.
Identifiers: ClinVar variation 2635510 (VCV002635510.1), dbSNP rs2505971977, ClinGen allele CA393816225.
Genomic context (GRCh38, chr15:90,232,364, plus strand): 5'-AGCTCACAAAACCGCCTGTGGGCTCTGGTAGAGAGAGGGGAACTGTCGGTGTTCTCAGCG[A>C]TCGGTCTCCCTGTGTGTTCATTCCCACTCCTTGCCTGCTGCTCATTGTCAACCAGGTGAG-3'

ClinVar aggregate classification (germline): Uncertain significance (1 of 4 stars; one submission).

Conditions:
CIB1-related disorder. Also called: CIB1-related condition.

gnomAD v4.1: 1 of 1,574,134 alleles (0.000064%); no homozygotes.

Submission:

PreventionGenetics, part of Exact Sciences
Classification: Uncertain significance for CIB1-related condition. Last evaluated: 2022-12-01. Review status: criteria provided, single submitter. Criteria: ACMG Guidelines, 2015. Collection method: clinical testing. Allele origin: germline.
Comment: The CIB1 c.170T>G variant is predicted to result in the amino acid substitution p.Ile57Ser. To our knowledge, this variant has not been reported in the literature or in a large population database, indicating this variant is rare. At this time, the clinical significance of this variant is uncertain due to the absence of conclusive functional and genetic evidence.